The following is an entry in ClinVar:

ClinVar aggregate classification (germline): Uncertain significance. Review status: criteria provided, multiple submitters, no conflicts (2 of 4 stars). 2 submissions from 2 submitters: Uncertain significance (2). Last evaluated 2025-04-24.

Conditions:
Inborn genetic diseases. Identifiers: MedGen C0950123, MeSH D030342.

gnomAD v4.1: 1 of 1,614,000 alleles (0.000062%); highest among the groups gnomAD compares: African/African-American, 0.0013%; no homozygotes.

Submissions (2):

Ambry Genetics
Classification: Uncertain significance for Inborn genetic diseases. Last evaluated: 2025-04-24. Review status: criteria provided, single submitter. Criteria: Ambry Variant Classification Scheme 2023. Collection method: clinical testing. Allele origin: germline.

Labcorp Genetics (formerly Invitae), Labcorp
Classification: Uncertain significance. Last evaluated: 2025-02-19. Review status: criteria provided, single submitter. Criteria: Invitae Variant Classification Sherloc (09022015). Collection method: clinical testing. Allele origin: germline.
Comment: This sequence change replaces proline, which is neutral and non-polar, with serine, which is neutral and polar, at codon 510 of the CNOT3 protein (p.Pro510Ser). The frequency data for this variant in the population databases is considered unreliable, as metrics indicate poor data quality at this position in the gnomAD database. This variant has not been reported in the literature in individuals affected with CNOT3-related conditions. An algorithm developed to predict the effect of missense changes on protein structure and function (PolyPhen-2) suggests that this variant is likely to be disruptive. In summary, the available evidence is currently insufficient to determine the role of this variant in disease. Therefore, it has been classified as a Variant of Uncertain Significance.

NM_014516.4(CNOT3):c.1528C>T (p.Pro510Ser)

Gene: CNOT3 (CCR4-NOT transcription complex subunit 3; plus strand). Cytogenetic location: 19q13.42.
Variant type: single nucleotide variant.
Coding change: c.1528C>T on transcript NM_014516.4 (MANE Select); coding-DNA position 1528, C replaced by T.
Protein change: p.Pro510Ser; replaces proline 510 with serine.
Molecular consequence: missense variant.
Genome position (GRCh38, 1-based): chr19:54,149,681, C>T. VCF-style: chr19-54149681-C-T. GRCh37 (hg19) VCF-style: chr19-54653416-C-T.
Other names: short protein forms P510S.
Identifiers: ClinVar variation 4004382 (VCV004004382.2).